The following is an entry in ClinVar:

ClinVar aggregate classification (germline): Uncertain significance (1 of 4 stars; one submission).

gnomAD v4.1: 1 of 1,559,790 alleles (0.000064%); highest among the groups gnomAD compares: African/African-American, 0.0014%; no homozygotes.

Submission:

GeneDx
Classification: Uncertain significance. Last evaluated: 2025-04-09. Review status: criteria provided, single submitter. Criteria: GeneDx Variant Classification Process June 2021. Collection method: clinical testing. Allele origin: germline. Affected: yes.
Comment: In silico analysis supports that this missense variant has a deleterious effect on protein structure/function; Has not been previously published as pathogenic or benign to our knowledge

NM_022124.6(CDH23):c.3379A>G (p.Thr1127Ala)

Genes: C10orf105 (chromosome 10 open reading frame 105; minus strand), CDH23 (cadherin related 23; plus strand). Cytogenetic location: 10q22.1.
Variant type: single nucleotide variant.
Coding change: c.3379A>G on transcript NM_022124.6 (MANE Select); coding-DNA position 3379, A replaced by G.
Protein change: p.Thr1127Ala; replaces threonine 1127 with alanine.
Molecular consequence: missense variant. On other transcripts: intron variant (1).
Genome position (GRCh38, 1-based): chr10:71,724,054, A>G. VCF-style: chr10-71724054-A-G. GRCh37 (hg19) VCF-style: chr10-73483811-A-G.
Other names: c.3379A>G, p.Thr1127Ala (NM_001171930.2); c.-5-7712T>C (NM_001168390.2); short protein forms T1127A.
Identifiers: ClinVar variation 4281716 (VCV004281716.1).